The following is an entry in ClinVar:

ClinVar aggregate classification (germline): Uncertain significance (1 of 4 stars; one submission).

Submission:

Labcorp Genetics (formerly Invitae), Labcorp
Classification: Uncertain significance. Last evaluated: 2023-03-29. Review status: criteria provided, single submitter. Criteria: Invitae Variant Classification Sherloc (09022015). Collection method: clinical testing. Allele origin: germline.
Comment: In summary, the available evidence is currently insufficient to determine the role of this variant in disease. Therefore, it has been classified as a Variant of Uncertain Significance. Algorithms developed to predict the effect of sequence changes on RNA splicing suggest that this variant may create or strengthen a splice site. An algorithm developed to predict the effect of missense changes on protein structure and function (PolyPhen-2) suggests that this variant is likely to be disruptive. This variant has not been reported in the literature in individuals affected with PPP2R5D-related conditions. This variant is not present in population databases (gnomAD no frequency). This sequence change replaces leucine, which is neutral and non-polar, with valine, which is neutral and non-polar, at codon 336 of the PPP2R5D protein (p.Leu336Val).

NM_006245.4(PPP2R5D):c.1006C>G (p.Leu336Val)

Gene: PPP2R5D (protein phosphatase 2 regulatory subunit B'delta; plus strand). Cytogenetic location: 6p21.1.
Variant type: single nucleotide variant.
Coding change: c.1006C>G on transcript NM_006245.4 (MANE Select); coding-DNA position 1006, C replaced by G.
Protein change: p.Leu336Val; replaces leucine 336 with valine.
Molecular consequence: missense variant.
Genome position (GRCh38, 1-based): chr6:43,008,455, C>G. VCF-style: chr6-43008455-C-G. GRCh37 (hg19) VCF-style: chr6-42976193-C-G.
Other names: c.553C>G, p.Leu185Val (NM_001270476.2); c.910C>G, p.Leu304Val (NM_180976.3); c.688C>G, p.Leu230Val (NM_180977.3); short protein forms L185V, L336V, L230V, L304V.
Identifiers: ClinVar variation 2850717 (VCV002850717.3), dbSNP rs2532481403, ClinGen allele CA364192190.